The following is an entry in ClinVar:

NM_021076.4(NEFH):c.715G>A (p.Gly239Ser)

Gene: NEFH (neurofilament heavy chain; plus strand). Cytogenetic location: 22q12.2.
Variant type: single nucleotide variant.
Coding change: c.715G>A on transcript NM_021076.4 (MANE Select); coding-DNA position 715, G replaced by A.
Protein change: p.Gly239Ser; replaces glycine 239 with serine.
Molecular consequence: missense variant.
Genome position (GRCh38, 1-based): chr22:29,480,977, G>A. VCF-style: chr22-29480977-G-A. GRCh37 (hg19) VCF-style: chr22-29876966-G-A.
Other names: short protein forms G239S.
Identifiers: ClinVar variation 2786276 (VCV002786276.3), dbSNP rs1185571736, ClinGen allele CA411123777.
Genomic context (GRCh38, chr22:29,480,977, plus strand): 5'-AAGGCGCAGGCGCTGCAGGAGGAGTGCGGCTACCTGCGGCGCCACCACCAGGAAGAGGTG[G>A]GCGAGCTGCTCGGCCAGATCCAGGGCTCCGGCGCCGCGCAGGCGCAGATGCAGGCCGAGA-3'
Protein context (NP_066554.2, residues 229-249): YLRRHHQEEV[Gly239Ser]ELLGQIQGSG

ClinVar aggregate classification (germline): Uncertain significance (1 of 4 stars; one submission).

gnomAD v4.1: 26 of 1,531,894 alleles (0.0017%); highest among the groups gnomAD compares: Non-Finnish European, 0.0023%; no homozygotes.

Submission:

Labcorp Genetics (formerly Invitae), Labcorp
Classification: Uncertain significance. Last evaluated: 2024-04-15. Review status: criteria provided, single submitter. Criteria: Invitae Variant Classification Sherloc (09022015). Collection method: clinical testing. Allele origin: germline.
Comment: This sequence change replaces glycine, which is neutral and non-polar, with serine, which is neutral and polar, at codon 239 of the NEFH protein (p.Gly239Ser). This variant is not present in population databases (gnomAD no frequency). This variant has not been reported in the literature in individuals affected with NEFH-related conditions. Advanced modeling of protein sequence and biophysical properties (such as structural, functional, and spatial information, amino acid conservation, physicochemical variation, residue mobility, and thermodynamic stability) performed at Invitae indicates that this missense variant is not expected to disrupt NEFH protein function with a negative predictive value of 95%. In summary, the available evidence is currently insufficient to determine the role of this variant in disease. Therefore, it has been classified as a Variant of Uncertain Significance.